The following is an entry in ClinVar:

NM_018718.3(CEP41):c.162del (p.Asp55fs)

Gene: CEP41 (centrosomal protein 41; minus strand). Cytogenetic location: 7q32.2.
Variant type: Deletion.
Coding change: c.162del on transcript NM_018718.3 (MANE Select); coding-DNA position 162, one base deleted (A; older notation c.162delA).
Protein change: p.Asp55fs; shifts the reading frame from aspartic acid 55.
Molecular consequence: frameshift variant. On other transcripts: non-coding transcript variant (1).
Genome position (GRCh38, 1-based): chr7:130,412,224, T deleted on the plus strand (A on the coding strand, the reverse complement: CEP41 is on the minus strand); the first of 6 consecutive T bases (chr7:130,412,224-130,412,229); deleting any one gives the same sequence. VCF-style (leftmost placement, unchanged base first): chr7-130412223-CT-C. GRCh37 (hg19) VCF-style: chr7-130052064-CT-C.
Other names: c.162del, p.Asp55fs (NM_001257158.2); c.114del, p.Asp39fs (NM_001257159.2); short protein forms D55fs, D39fs.
Identifiers: ClinVar variation 4839576 (VCV004839576.1).

ClinVar aggregate classification (germline): Pathogenic (1 of 4 stars; one submission).

Conditions:
Inborn genetic diseases. Identifiers: MedGen C0950123, MeSH D030342.

Submission:

Ambry Genetics
Classification: Pathogenic for Inborn genetic diseases. Last evaluated: 2026-01-26. Review status: criteria provided, single submitter. Criteria: Ambry Variant Classification Scheme 2023. Collection method: clinical testing. Allele origin: germline.
Comment: The c.162delA (p.D55Mfs*7) alteration, located in exon 4 (coding exon 4) of the CEP41 gene, consists of a deletion of one nucleotide at position 162, causing a translational frameshift with a predicted alternate stop codon after 7 amino acids. This variant is expected to result in loss of function by premature protein truncation or nonsense-mediated mRNA decay. This variant was not reported in population-based cohorts in the Genome Aggregation Database (gnomAD). Based on the available evidence, this alteration is classified as pathogenic.